The following is an entry in ClinVar:

NM_012210.4(TRIM32):c.1546C>T (p.Pro516Ser)

Genes: ASTN2 (astrotactin 2; minus strand), TRIM32 (tripartite motif containing 32; plus strand). Cytogenetic location: 9q33.1.
Variant type: single nucleotide variant.
Coding change: c.1546C>T on transcript NM_012210.4 (MANE Select); coding-DNA position 1546, C replaced by T.
Protein change: p.Pro516Ser; replaces proline 516 with serine.
Molecular consequence: missense variant. On other transcripts: intron variant (3).
Genome position (GRCh38, 1-based): chr9:116,699,288, C>T. VCF-style: chr9-116699288-C-T. GRCh37 (hg19) VCF-style: chr9-119461567-C-T.
Other names: c.1546C>T, p.Pro516Ser (NM_001099679.2, NM_001379048.1, NM_001379049.1 and 1 more transcripts); c.2653+26483G>A (NM_014010.5); c.2794+26483G>A (NM_001365069.1); c.2806+26483G>A (NM_001365068.1); short protein forms P516S.
Identifiers: ClinVar variation 2149448 (VCV002149448.1), dbSNP rs1226419759, ClinGen allele CA374651917.
Genomic context (GRCh38, chr9:116,699,288, plus strand): 5'-TTCACAGTTGATCGAGGATCAGGGGTGGTCAAATACAGCTGCCTATGTAGTGCTGTGCGG[C>T]CCAAATTTGTCACCTGTGATGCTGAGGGCACCGTCTACTTCACCCAGGGCTTAGGCCTCA-3'
Protein context (NP_036342.2, residues 506-526): KYSCLCSAVR[Pro516Ser]KFVTCDAEGT

ClinVar aggregate classification (germline): Uncertain significance (1 of 4 stars; one submission).

Conditions:
Bardet-Biedl syndrome (BBS). Identifiers: Orphanet 110, MedGen C0752166, MONDO:0015229.

Allele frequency attached by ClinVar (database versions not stated): gnomAD exomes below 0.00001; gnomAD 0.00001.
gnomAD v4.1: 3 of 1,614,056 alleles (0.00019%); highest among the groups gnomAD compares: African/African-American, 0.0013%; no homozygotes.

Submission:

Labcorp Genetics (formerly Invitae), Labcorp
Classification: Uncertain significance for Bardet-Biedl syndrome. Last evaluated: 2022-08-23. Review status: criteria provided, single submitter. Criteria: Invitae Variant Classification Sherloc (09022015). Collection method: clinical testing. Allele origin: germline.
Comment: This sequence change replaces proline, which is neutral and non-polar, with serine, which is neutral and polar, at codon 516 of the TRIM32 protein (p.Pro516Ser). The frequency data for this variant in the population databases is considered unreliable, as metrics indicate poor data quality at this position in the gnomAD database. This variant has not been reported in the literature in individuals affected with TRIM32-related conditions. Algorithms developed to predict the effect of missense changes on protein structure and function (SIFT, PolyPhen-2, Align-GVGD) all suggest that this variant is likely to be disruptive. In summary, the available evidence is currently insufficient to determine the role of this variant in disease. Therefore, it has been classified as a Variant of Uncertain Significance.